The following is an entry in ClinVar:

NM_000090.4(COL3A1):c.2464G>A (p.Gly822Ser)

Gene: COL3A1 (collagen type III alpha 1 chain; plus strand). Cytogenetic location: 2q32.2.
Variant type: single nucleotide variant.
Coding change: c.2464G>A on transcript NM_000090.4 (MANE Select); coding-DNA position 2464, G replaced by A.
Protein change: p.Gly822Ser; replaces glycine 822 with serine.
Molecular consequence: missense variant.
Genome position (GRCh38, 1-based): chr2:189,002,973, G>A. VCF-style: chr2-189002973-G-A. GRCh37 (hg19) VCF-style: chr2-189867699-G-A.
Other names: p.G822S:GGT>AGT; short protein forms G822S.
Identifiers: ClinVar variation 199730 (VCV000199730.4), dbSNP rs794728051, ClinGen allele CA005398.

ClinVar aggregate classification (germline): Likely pathogenic. Review status: criteria provided, multiple submitters, no conflicts (2 of 4 stars). 2 submissions from 2 submitters: Likely pathogenic (2). Last evaluated 2025-10-31.

Conditions:
Ehlers-Danlos syndrome, type 4 (EDSVASC). Also called: Ehlers-Danlos syndrome vascular type; Ehlers Danlos syndrome, ecchymotic type; Ehlers Danlos syndrome, arterial type; Ehlers Danlos syndrome, Sack-Barabas type; Ehlers-Danlos Syndrome Type IV. Identifiers: Orphanet 286, MedGen C0268338, MONDO:0017314, OMIM 130050.

Allele frequency attached by ClinVar (database versions not stated): gnomAD 0.00001; gnomAD exomes 0.00001; TOPMed 0.00001.

Submissions (2):

Variantyx, Inc.
Classification: Likely pathogenic for Ehlers-Danlos syndrome, type 4. Last evaluated: 2025-10-31. Review status: criteria provided, single submitter. Criteria: Variantyx Assertion Criteria 2022. Collection method: clinical testing. Allele origin: germline. Inheritance: Autosomal dominant inheritance. Affected: yes.
Comment: This is a nonsynonymous variant in the COL3A1 gene (OMIM: 120180). Pathogenic variants in this gene have been associated with autosomal dominant vascular-type Ehlers-Danlos syndrome. This variant lies within a known hotspot for pathogenic variants or a well-established critical functional domain of the COL3A1 protein (PMID: 25776230, 25758994, 30474650) (PM1_Strong), and multiple computational algorithms predict a deleterious effect for this variant (REVEL score: 0.996) (PP3). This variant has a 0.0014% maximum allele frequency in non-founder control populations (PM2). Based on the current evidence, this variant is classified as likely pathogenic for autosomal dominant vascular-type Ehlers-Danlos syndrome.

GeneDx
Classification: Likely pathogenic. Last evaluated: 2025-03-28. Review status: criteria provided, single submitter. Criteria: GeneDx Variant Classification Process June 2021. Collection method: clinical testing. Allele origin: germline. Affected: yes.
Comment: Occurs in the triple helical domain and replaces the glycine in the canonical Gly-X-Y repeat; missense substitution of a canonical glycine residue is expected to disrupt normal protein folding and function, and this is an established mechanism of disease (HGMD); Not observed at significant frequency in large population cohorts (gnomAD); In silico analysis supports that this missense variant has a deleterious effect on protein structure/function; Has not been previously published as pathogenic or benign to our knowledge

Literature cited by the submitters: PubMed 25776230 (cited by Variantyx, Inc.); PubMed 25758994 (cited by Variantyx, Inc.); PubMed 30474650 (cited by Variantyx, Inc.).